The following is an entry in ClinVar:

ClinVar aggregate classification (germline): Uncertain significance (1 of 4 stars; one submission).

Allele frequency attached by ClinVar (database versions not stated): ExAC 0.00001; gnomAD exomes below 0.00001.
gnomAD v4.1: 3 of 1,604,948 alleles (0.00019%); highest among the groups gnomAD compares: Non-Finnish European, 0.000085%; no homozygotes.

Submission:

GeneDx
Classification: Uncertain significance. Last evaluated: 2022-09-20. Review status: criteria provided, single submitter. Criteria: GeneDx Variant Classification Process June 2021. Collection method: clinical testing. Allele origin: germline. Affected: yes.
Comment: Not observed at significant frequency in large population cohorts (gnomAD); In silico analysis supports that this missense variant does not alter protein structure/function; Has not been previously published as pathogenic or benign to our knowledge

NM_017646.6(TRIT1):c.325A>G (p.Ile109Val)

Gene: TRIT1 (tRNA isopentenyltransferase 1; minus strand). Cytogenetic location: 1p34.2.
Variant type: single nucleotide variant.
Coding change: c.325A>G on transcript NM_017646.6 (MANE Select); coding-DNA position 325, A replaced by G.
Protein change: p.Ile109Val; replaces isoleucine 109 with valine.
Molecular consequence: missense variant. On other transcripts: intron variant (1).
Genome position (GRCh38, 1-based): chr1:39,854,059, T>C on the plus strand (A>G on the coding strand, the complement: TRIT1 is on the minus strand). VCF-style: chr1-39854059-T-C. GRCh37 (hg19) VCF-style: chr1-40319731-T-C.
Other names: c.325A>G, p.Ile109Val (NM_001312691.2); c.175-1183A>G (NM_001312692.1); short protein forms I109V.
Identifiers: ClinVar variation 2444593 (VCV002444593.1), dbSNP rs750071570, ClinGen allele CA788131.
Genomic context (GRCh38, chr1:39,854,059, plus strand): 5'-GAGATTCAATGTAATAATTGGTTCCTCCCACAACAATAGGAATTTTGTCTCGGGCAAATA[T>C]ATCTTCAATGTGAACATTAAGAAAGATATCACGATATCAAGAGAATCCTGACTCACTTTG-3'
Protein context (NP_060116.2, residues 99-119): RNRATALIED[Ile109Val]FARDKIPIVV